The following is an entry in ClinVar:

NM_003476.5(CSRP3):c.338A>C (p.Lys113Thr)

Gene: CSRP3 (cysteine and glycine rich protein 3; minus strand). Cytogenetic location: 11p15.1.
Variant type: single nucleotide variant.
Coding change: c.338A>C on transcript NM_003476.5 (MANE Select); coding-DNA position 338, A replaced by C.
Protein change: p.Lys113Thr; replaces lysine 113 with threonine.
Molecular consequence: missense variant.
Genome position (GRCh38, 1-based): chr11:19,186,292, T>G on the plus strand (A>C on the coding strand, the complement: CSRP3 is on the minus strand). VCF-style: chr11-19186292-T-G. GRCh37 (hg19) VCF-style: chr11-19207839-T-G.
Other names: c.338A>C, p.Lys113Thr (NM_001127656.1); c.169A>C, p.Ser57Arg (NM_001369404.1); short protein forms K113T, S57R.
Identifiers: ClinVar variation 2938155 (VCV002938155.3), dbSNP rs1181876627, ClinGen allele CA379887987.

ClinVar aggregate classification (germline): Uncertain significance (1 of 4 stars; one submission).

Conditions:
Hypertrophic cardiomyopathy 12. Identifiers: MedGen C2677491, MONDO:0012804, OMIM 612124.
Dilated cardiomyopathy 1M (CMD1M). Identifiers: Orphanet 154, MedGen C1843808, MONDO:0011840, OMIM 607482.

Allele frequency attached by ClinVar (database versions not stated): gnomAD 0.00001.
gnomAD v4.1: 1 of 1,614,194 alleles (0.000062%); highest among the groups gnomAD compares: African/African-American, 0.0013%; no homozygotes.

Submission:

Labcorp Genetics (formerly Invitae), Labcorp
Classification: Uncertain significance for Hypertrophic cardiomyopathy 12; Dilated cardiomyopathy 1M. Last evaluated: 2025-06-02. Review status: criteria provided, single submitter. Criteria: Invitae Variant Classification Sherloc (09022015). Collection method: clinical testing. Allele origin: germline.
Comment: This sequence change replaces lysine, which is basic and polar, with threonine, which is neutral and polar, at codon 113 of the CSRP3 protein (p.Lys113Thr). This variant is not present in population databases (gnomAD no frequency). This variant has not been reported in the literature in individuals affected with CSRP3-related conditions. ClinVar contains an entry for this variant (Variation ID: 2938155). An algorithm developed to predict the effect of missense changes on protein structure and function (PolyPhen-2) suggests that this variant is likely to be tolerated. In summary, the available evidence is currently insufficient to determine the role of this variant in disease. Therefore, it has been classified as a Variant of Uncertain Significance.